The following is an entry in ClinVar:

NM_005585.5(SMAD6):c.466G>T (p.Gly156Trp)

Gene: SMAD6 (SMAD family member 6; plus strand). Cytogenetic location: 15q22.31.
Variant type: single nucleotide variant.
Coding change: c.466G>T on transcript NM_005585.5 (MANE Select); coding-DNA position 466, G replaced by T.
Protein change: p.Gly156Trp; replaces glycine 156 with tryptophan.
Molecular consequence: missense variant. On other transcripts: non-coding transcript variant (1).
Genome position (GRCh38, 1-based): chr15:66,703,724, G>T. VCF-style: chr15-66703724-G-T. GRCh37 (hg19) VCF-style: chr15-66996062-G-T.
Other names: short protein forms G156W.
Identifiers: ClinVar variation 1742315 (VCV001742315.6), dbSNP rs879115671, ClinGen allele CA392949608.

ClinVar aggregate classification (germline): Uncertain significance. Review status: criteria provided, multiple submitters, no conflicts (2 of 4 stars). 2 submissions from 2 submitters: Uncertain significance (2). Last evaluated 2025-02-11.

Conditions:
Inborn genetic diseases. Identifiers: MedGen C0950123, MeSH D030342.
Aortic valve disease 2 (AOVD2). Identifiers: MedGen C3542024, MONDO:0013902, OMIM 614823.

Allele frequency attached by ClinVar (database versions not stated): TOPMed 0.00004.

Submissions (2):

Labcorp Genetics (formerly Invitae), Labcorp
Classification: Uncertain significance for Aortic valve disease 2. Last evaluated: 2025-02-11. Review status: criteria provided, single submitter. Criteria: Invitae Variant Classification Sherloc (09022015). Collection method: clinical testing. Allele origin: germline.
Comment: This sequence change replaces glycine, which is neutral and non-polar, with tryptophan, which is neutral and slightly polar, at codon 156 of the SMAD6 protein (p.Gly156Trp). This variant is not present in population databases (gnomAD no frequency). This variant has not been reported in the literature in individuals affected with SMAD6-related conditions. ClinVar contains an entry for this variant (Variation ID: 1742315). Invitae Evidence Modeling of protein sequence and biophysical properties (such as structural, functional, and spatial information, amino acid conservation, physicochemical variation, residue mobility, and thermodynamic stability) indicates that this missense variant is not expected to disrupt SMAD6 protein function with a negative predictive value of 80%. In summary, the available evidence is currently insufficient to determine the role of this variant in disease. Therefore, it has been classified as a Variant of Uncertain Significance.

Ambry Genetics
Classification: Uncertain significance for Inborn genetic diseases. Last evaluated: 2024-09-23. Review status: criteria provided, single submitter. Criteria: Ambry Variant Classification Scheme 2023. Collection method: clinical testing. Allele origin: germline.
Comment: The p.G156W variant (also known as c.466G>T), located in coding exon 1 of the SMAD6 gene, results from a G to T substitution at nucleotide position 466. The glycine at codon 156 is replaced by tryptophan, an amino acid with highly dissimilar properties. This amino acid position is conserved. In addition, the in silico prediction for this alteration is inconclusive. Since supporting evidence is limited at this time, the clinical significance of this alteration remains unclear.